The following is an entry in ClinVar:

ClinVar aggregate classification (germline): Uncertain significance (1 of 4 stars; one submission).

Conditions:
Mitochondrial DNA depletion syndrome 9 (MTDPS9). Also called: SUCLG1-Related Mitochondrial DNA Depletion Syndrome, Encephalomyopathic Form with Methylmalonic Aciduria. Identifiers: Orphanet 17, MedGen C3151476, MONDO:0009504, OMIM 245400.

Allele frequency attached by ClinVar (database versions not stated): gnomAD 0.00001; TOPMed 0.00002; ExAC 0.00006.
gnomAD v4.1: 47 of 1,550,516 alleles (0.003%); highest among the groups gnomAD compares: Non-Finnish European, 0.0037%; no homozygotes.

Submission:

Labcorp Genetics (formerly Invitae), Labcorp
Classification: Uncertain significance for Mitochondrial DNA depletion syndrome 9. Last evaluated: 2022-05-10. Review status: criteria provided, single submitter. Criteria: Invitae Variant Classification Sherloc (09022015). Collection method: clinical testing. Allele origin: germline.
Comment: This sequence change replaces threonine, which is neutral and polar, with isoleucine, which is neutral and non-polar, at codon 4 of the SUCLG1 protein (p.Thr4Ile). This variant is present in population databases (rs766814700, gnomAD 0.02%). This variant has not been reported in the literature in individuals affected with SUCLG1-related conditions. ClinVar contains an entry for this variant (Variation ID: 539289). Algorithms developed to predict the effect of missense changes on protein structure and function output the following: SIFT: "Tolerated"; PolyPhen-2: "Not Available"; Align-GVGD: "Class C0". The isoleucine amino acid residue is found in multiple mammalian species, which suggests that this missense change does not adversely affect protein function. In summary, the available evidence is currently insufficient to determine the role of this variant in disease. Therefore, it has been classified as a Variant of Uncertain Significance.

NM_003849.4(SUCLG1):c.11C>T (p.Thr4Ile)

Gene: SUCLG1 (succinate-CoA ligase GDP/ADP-forming subunit alpha; minus strand). Cytogenetic location: 2p11.2.
Variant type: single nucleotide variant.
Coding change: c.11C>T on transcript NM_003849.4 (MANE Select); coding-DNA position 11, C replaced by T.
Protein change: p.Thr4Ile; replaces threonine 4 with isoleucine.
Molecular consequence: missense variant.
Genome position (GRCh38, 1-based): chr2:84,459,259, G>A on the plus strand (C>T on the coding strand, the complement: SUCLG1 is on the minus strand). VCF-style: chr2-84459259-G-A. GRCh37 (hg19) VCF-style: chr2-84686383-G-A.
Other names: short protein forms T4I.
Identifiers: ClinVar variation 539289 (VCV000539289.3), dbSNP rs766814700, ClinGen allele CA1736450.